The following is an entry in ClinVar:

ClinVar aggregate classification (germline): Uncertain significance. Review status: criteria provided, multiple submitters, no conflicts (2 of 4 stars). 3 submissions from 3 submitters: Uncertain significance (2). 1 of the submissions does not count toward it. Last evaluated 2025-11-19.

Conditions:
Nemaline myopathy 2 (NEM2). Also called: Nemaline myopathy 2, autosomal recessive. Identifiers: MedGen C1850569, MONDO:0009725, OMIM 256030.

gnomAD v4.1: 4 of 1,613,262 alleles (0.00025%); highest among the groups gnomAD compares: Non-Finnish European, 0.00034%; no homozygotes.

Submissions (3):

Labcorp Genetics (formerly Invitae), Labcorp
Classification: Uncertain significance for Nemaline myopathy 2. Last evaluated: 2025-11-19. Review status: criteria provided, single submitter. Criteria: Invitae Variant Classification Sherloc (09022015). Collection method: clinical testing. Allele origin: germline.
Comment: This sequence change replaces leucine, which is neutral and non-polar, with glutamine, which is neutral and polar, at codon 1415 of the NEB protein (p.Leu1415Gln). This variant is not present in population databases (gnomAD no frequency). This variant has not been reported in the literature in individuals affected with NEB-related conditions. ClinVar contains an entry for this variant (Variation ID: 850802). Experimental studies and prediction algorithms are not available or were not evaluated, and the functional significance of this variant is currently unknown. In summary, the available evidence is currently insufficient to determine the role of this variant in disease. Therefore, it has been classified as a Variant of Uncertain Significance.

GeneDx
Classification: Uncertain significance. Last evaluated: 2023-02-24. Review status: criteria provided, single submitter. Criteria: GeneDx Variant Classification Process June 2021. Collection method: clinical testing. Allele origin: germline. Affected: yes.
Comment: Not observed at significant frequency in large population cohorts (gnomAD); In silico analysis supports that this missense variant has a deleterious effect on protein structure/function; Has not been previously published as pathogenic or benign to our knowledge

Natera, Inc.
Classification: Uncertain significance for Nemaline myopathy type 2. Last evaluated: 2020-09-16. Review status: no assertion criteria provided. Collection method: clinical testing. Allele origin: germline. Not counted in ClinVar's aggregate classification.

NM_001164508.2(NEB):c.4244T>A (p.Leu1415Gln)

Gene: NEB (nebulin; minus strand). Cytogenetic location: 2q23.3.
Variant type: single nucleotide variant.
Coding change: c.4244T>A on transcript NM_001164508.2 (MANE Select); coding-DNA position 4244, T replaced by A.
Protein change: p.Leu1415Gln; replaces leucine 1415 with glutamine.
Molecular consequence: missense variant.
Genome position (GRCh38, 1-based): chr2:151,672,424, A>T on the plus strand (T>A on the coding strand, the complement: NEB is on the minus strand). VCF-style: chr2-151672424-A-T. GRCh37 (hg19) VCF-style: chr2-152528938-A-T.
Other names: c.4244T>A, p.Leu1415Gln (NM_001164507.2, NM_001271208.2, NM_004543.5); short protein forms L1415Q.
Identifiers: ClinVar variation 850802 (VCV000850802.9), dbSNP rs2099312411, ClinGen allele CA348816482.